The following is an entry in ClinVar:

NM_002829.4(PTPN3):c.2511C>T (p.Pro837=)

Gene: PTPN3 (protein tyrosine phosphatase non-receptor type 3; minus strand). Cytogenetic location: 9q31.3.
Variant type: single nucleotide variant.
Coding change: c.2511C>T on transcript NM_002829.4 (MANE Select); coding-DNA position 2511, C replaced by T.
Protein change: p.Pro837=; no amino-acid change (proline 837 retained).
Molecular consequence: synonymous variant. On other transcripts: non-coding transcript variant (1).
Genome position (GRCh38, 1-based): chr9:109,382,319, G>A on the plus strand (C>T on the coding strand, the complement: PTPN3 is on the minus strand). VCF-style: chr9-109382319-G-A. GRCh37 (hg19) VCF-style: chr9-112144599-G-A.
Other names: c.2376C>T, p.Pro792= (NM_001145368.2); c.2118C>T, p.Pro706= (NM_001145369.2); c.1983C>T, p.Pro661= (NM_001145370.2); c.1650C>T, p.Pro550= (NM_001145371.2); c.1515C>T, p.Pro505= (NM_001145372.2).
Identifiers: ClinVar variation 2659408 (VCV002659408.24), dbSNP rs142937669, ClinGen allele CA5178556.
Genomic context (GRCh38, chr9:109,382,319, plus strand): 5'-CAGGGAAAGGATTCCAAACCTAACAAAACAGCAAGCGCCATACCTGCAGTGAACTAGGAC[G>A]GGCTCGCTGTCCACTCTCAGAGACCTCACATAGTTTACAAATTCCAGAAAGTCGGAGGAG-3'
Protein context (NP_002820.3, residues 827-847): YVRSLRVDSE[Pro837=]VLVHCSAGIG

ClinVar aggregate classification (germline): Likely benign (1 of 4 stars; one submission).

Allele frequency attached by ClinVar (database versions not stated): 1000 Genomes Project 0.00080; 1000 Genomes Project 30x 0.00094; ESP Exome Variant Server 0.00100.
gnomAD v4.1: 351 of 1,613,910 alleles (0.022%); highest among the groups gnomAD compares: African/African-American, 0.39%; 1 homozygote.

Submission:

CeGaT Center for Human Genetics Tuebingen
Classification: Likely benign. Last evaluated: 2023-04-01. Review status: criteria provided, single submitter. Criteria: CeGaT Center For Human Genetics Tuebingen Variant Classification Criteria Version 2. Collection method: clinical testing. Allele origin: germline. Affected: yes. Observed: 1 variant allele.
Comment: PTPN3: BP4, BP7